The following is an entry in ClinVar:

ClinVar aggregate classification (germline): Conflicting classifications of pathogenicity. Review status: criteria provided, conflicting classifications (1 of 4 stars). 17 submissions from 14 submitters: Uncertain significance (4); Benign (6); Likely benign (7). Last evaluated 2026-05-14.

Conditions:
Hereditary cancer-predisposing syndrome. Also called: Tumor predisposition; Neoplastic Syndromes, Hereditary; Hereditary Cancer Syndrome; Hereditary neoplastic syndrome. Identifiers: Orphanet 140162, MedGen C0027672, MeSH D009386, MONDO:0015356.
Café-au-lait macules with pulmonary stenosis (WTSN). Also called: PULMONIC STENOSIS WITH CAFE-AU-LAIT SPOTS. Identifiers: MedGen C0553586, MONDO:0008672, OMIM 193520.
Neurofibromatosis, familial spinal (FSNF). Identifiers: Orphanet 636, MedGen C1834235, MONDO:0008078, OMIM 162210. Disease mechanism: loss of function.
Neurofibromatosis, type 1 (NF1). Also called: NEUROFIBROMATOSIS, TYPE I, SOMATIC; Peripheral type neurofibromatosis; Neurofibromatosis, type I; VON RECKLINGHAUSEN DISEASE. Identifiers: Orphanet 636, MedGen C0027831, MONDO:0018975, OMIM 162200. Disease mechanism: loss of function.
Neurofibromatosis-Noonan syndrome (NFNS). Also called: NEUROFIBROMATOSIS WITH NOONAN PHENOTYPE. Identifiers: Orphanet 638, MedGen C2931482, MONDO:0011035, OMIM 601321. Disease mechanism: loss of function.

Allele frequency attached by ClinVar (database versions not stated): ESP Exome Variant Server 0.00031; gnomAD exomes 0.00031 and 0.00050; gnomAD 0.00032 and 0.00037; ExAC 0.00036; TOPMed 0.00040.
gnomAD v4.1: 779 of 1,613,704 alleles (0.048%); highest among the groups gnomAD compares: Non-Finnish European, 0.061%; no homozygotes.

Submissions (17):

Myriad Genetics, Inc.
Classification: Benign for Neurofibromatosis, type 1. Last evaluated: 2026-05-14. Review status: criteria provided, single submitter. Criteria: Myriad Autosomal Dominant, Autosomal Recessive and X-Linked Classification Criteria (2023). Collection method: clinical testing. Allele origin: unknown.
Comment: This variant is considered benign. This variant is intronic and is not expected to impact mRNA splicing. This variant has been observed at a population frequency that is significantly greater than expected given the associated disease prevalence and penetrance.

Labcorp Genetics (formerly Invitae), Labcorp
Classification: Benign for Neurofibromatosis, type 1. Last evaluated: 2026-02-03. Review status: criteria provided, single submitter. Criteria: Invitae Variant Classification Sherloc (09022015). Collection method: clinical testing. Allele origin: germline.

CeGaT Center for Human Genetics Tuebingen
Classification: Likely benign. Last evaluated: 2026-02-01. Review status: criteria provided, single submitter. Criteria: CeGaT Center For Human Genetics Tuebingen Variant Classification Criteria Version 2. Collection method: clinical testing. Allele origin: germline. Affected: yes. Observed: 9 variant alleles.
Comment: NF1: BP4, BS1:Supporting

Mayo Clinic Laboratories, Mayo Clinic
Classification: Likely benign. Last evaluated: 2025-08-18. Review status: criteria provided, single submitter. Criteria: ACMG Guidelines, 2015. Collection method: clinical testing. Allele origin: germline. Observed: 2 variant alleles.
Comment: BS1, BP4

Athena Diagnostics
Classification: Benign. Last evaluated: 2024-11-18. Review status: criteria provided, single submitter. Criteria: Athena Diagnostics Criteria. Collection method: clinical testing. Allele origin: unknown.

Blueprint Genetics
Classification: Likely benign. Last evaluated: 2024-10-14. Review status: criteria provided, single submitter. Criteria: ACMG Guidelines, 2015. Collection method: clinical testing. Allele origin: germline.

Quest Diagnostics Nichols Institute San Juan Capistrano
Classification: Benign. Last evaluated: 2022-09-09. Review status: criteria provided, single submitter. Criteria: Quest Diagnostics criteria. Collection method: clinical testing. Allele origin: unknown.
Comment: The frequency of this variant in the general population is higher than would generally be expected for pathogenic variants in this gene. Computational tools yielded predictions that this variant is unlikely to have an effect on normal RNA splicing. This nucleotide position exhibits low evolutionary conservation.

Women's Health and Genetics/Laboratory Corporation of America, LabCorp
Classification: Benign. Last evaluated: 2021-02-12. Review status: criteria provided, single submitter. Criteria: LabCorp Variant Classification Summary - May 2015. Collection method: clinical testing. Allele origin: germline.
Comment: Variant summary: NF1 c.731-6A>C alters a non-conserved nucleotide located close to a canonical splice site and therefore could affect mRNA splicing, leading to a significantly altered protein sequence. 4/4 computational tools predict no significant impact on normal splicing. However, these predictions have yet to be confirmed by functional studies. The variant allele was found at a frequency of 0.0003 in 282428 control chromosomes, predominantly at a frequency of 0.00053 within the Non-Finnish European subpopulation in the gnomAD database. The observed variant frequency within Non-Finnish European control individuals in the gnomAD database is approximately 3 fold of the estimated maximal expected allele frequency for a pathogenic variant in NF1 causing Neurofibromatosis Type 1 phenotype (0.00021), strongly suggesting that the variant is a benign polymorphism found primarily in populations of Non-Finnish European origin. To our knowledge, no experimental evidence demonstrating its impact on protein function have been reported. Five ClinVar submitters (evaluation after 2014) cite the variant as uncertain significance (n=1), likely benign (n=3) and benign (n=1). Based on the evidence outlined above, the variant was classified as benign.

Genome Diagnostics Laboratory, The Hospital for Sick Children
Classification: Likely benign for Neurofibromatosis, type 1. Last evaluated: 2020-10-26. Review status: criteria provided, single submitter. Criteria: ACMG Guidelines, 2015. Collection method: clinical testing. Allele origin: germline. Affected: yes.

Sema4
Classification: Benign for Hereditary cancer-predisposing syndrome. Last evaluated: 2020-10-18. Review status: criteria provided, single submitter. Criteria: Sema4 Curation Guidelines. Collection method: curation. Allele origin: germline.

GeneDx
Classification: Likely benign. Last evaluated: 2018-02-08. Review status: criteria provided, single submitter. Criteria: GeneDx Variant Classification (06012015). Collection method: clinical testing. Allele origin: germline. Affected: yes.
Comment: This variant is considered likely benign or benign based on one or more of the following criteria: it is a conservative change, it occurs at a poorly conserved position in the protein, it is predicted to be benign by multiple in silico algorithms, and/or has population frequency not consistent with disease.

Illumina Laboratory Services, Illumina
Classification: Uncertain significance for Café-au-lait macules with pulmonary stenosis. Last evaluated: 2017-04-27. Review status: criteria provided, single submitter. Criteria: ICSL Variant Classification Criteria 13 December 2019. Collection method: clinical testing. Allele origin: germline.

Illumina Laboratory Services, Illumina
Classification: Uncertain significance for Neurofibromatosis, type 1. Last evaluated: 2017-04-27. Review status: criteria provided, single submitter. Criteria: ICSL Variant Classification Criteria 13 December 2019. Collection method: clinical testing. Allele origin: germline.
Comment: This variant was observed as part of a predisposition screen in an ostensibly healthy population. A literature search was performed for the gene, cDNA change, and amino acid change (where applicable). Publications were found based on this search. However, the evidence from the literature, in combination with allele frequency data from public databases where available, was not sufficient to rule this variant in or out of causing disease. Therefore, this variant is classified as a variant of unknown significance.

Illumina Laboratory Services, Illumina
Classification: Uncertain significance for Neurofibromatosis, familial spinal. Last evaluated: 2017-04-27. Review status: criteria provided, single submitter. Criteria: ICSL Variant Classification Criteria 13 December 2019. Collection method: clinical testing. Allele origin: germline.

Illumina Laboratory Services, Illumina
Classification: Uncertain significance for Neurofibromatosis-Noonan syndrome. Last evaluated: 2017-04-27. Review status: criteria provided, single submitter. Criteria: ICSL Variant Classification Criteria 13 December 2019. Collection method: clinical testing. Allele origin: germline.

ARUP Laboratories, Molecular Genetics and Genomics, ARUP Laboratories
Classification: Likely benign. Last evaluated: 2017-01-04. Review status: criteria provided, single submitter. Criteria: ARUP Molecular Germline Variant Investigation Process. Collection method: clinical testing. Allele origin: germline.

PreventionGenetics, part of Exact Sciences
Classification: Likely benign. Review status: criteria provided, single submitter. Criteria: ACMG Guidelines, 2015. Collection method: clinical testing. Allele origin: germline.

Literature cited by the submitters: PubMed 12552569 (cited by Athena Diagnostics and Illumina Laboratory Services, Illumina); PubMed 15146469 (cited by Athena Diagnostics); PubMed 23460398 (cited by Women's Health and Genetics/Laboratory Corporation of America, LabCorp).

NM_001042492.3(NF1):c.731-6A>C

Gene: NF1 (neurofibromin 1; plus strand). Cytogenetic location: 17q11.2.
Variant type: single nucleotide variant.
Coding change: c.731-6A>C on transcript NM_001042492.3 (MANE Select); 6 bases into the intron before coding-DNA position 731, A replaced by C.
Molecular consequence: intron variant.
Genome position (GRCh38, 1-based): chr17:31,182,502, A>C. VCF-style: chr17-31182502-A-C. GRCh37 (hg19) VCF-style: chr17-29509520-A-C.
Other names: p.?; c.731-6A>C (NM_000267.4, NM_001128147.3).
Identifiers: ClinVar variation 215725 (VCV000215725.65), dbSNP rs369366499, ClinGen allele CA336953.
Genomic context (GRCh38, chr17:31,182,502, plus strand): 5'-CTTTTACTTTAATGCCAGGGATTTTGTTCCTATCTAATAATGTCATTTAATATATTTTTC[A>C]TGCAGAATGTGCAGAAAAGCTATTTGACTTGGTGGATGGTTTTGCTGAAAGCACCAAACG-3'